The following is an entry in ClinVar:

ClinVar aggregate classification (germline): Uncertain significance. Review status: criteria provided, multiple submitters, no conflicts (2 of 4 stars). 5 submissions from 5 submitters: Uncertain significance (5). Last evaluated 2025-12-16.

Conditions:
Ehlers-Danlos syndrome, type 4 (EDSVASC). Also called: Ehlers-Danlos syndrome vascular type; Ehlers Danlos syndrome, ecchymotic type; Ehlers Danlos syndrome, arterial type; Ehlers Danlos syndrome, Sack-Barabas type; Ehlers-Danlos Syndrome Type IV. Identifiers: Orphanet 286, MedGen C0268338, MONDO:0017314, OMIM 130050.
Familial thoracic aortic aneurysm and aortic dissection (TAAD). Also called: Thoracic aortic aneurysms and dissections. Identifiers: Orphanet 91387, MedGen C4707243, MONDO:0019625.

Allele frequency attached by ClinVar (database versions not stated): gnomAD 0.00001; gnomAD exomes 0.00001; TOPMed 0.00001; ExAC 0.00002.

Submissions (5):

Ambry Genetics
Classification: Uncertain significance for Familial thoracic aortic aneurysm and aortic dissection. Last evaluated: 2025-12-16. Review status: criteria provided, single submitter. Criteria: Ambry Variant Classification Scheme 2023. Collection method: clinical testing. Allele origin: germline.
Comment: The p.V1055I variant (also known as c.3163G>A), located in coding exon 43 of the COL3A1 gene, results from a G to A substitution at nucleotide position 3163. The valine at codon 1055 is replaced by isoleucine, an amino acid with highly similar properties. This amino acid position is conserved. In addition, the in silico prediction for this alteration is inconclusive. Based on the available evidence, the clinical significance of this variant remains unclear.

Labcorp Genetics (formerly Invitae), Labcorp
Classification: Uncertain significance for Ehlers-Danlos syndrome, type 4. Last evaluated: 2025-01-23. Review status: criteria provided, single submitter. Criteria: Invitae Variant Classification Sherloc (09022015). Collection method: clinical testing. Allele origin: germline.
Comment: This sequence change replaces valine, which is neutral and non-polar, with isoleucine, which is neutral and non-polar, at codon 1055 of the COL3A1 protein (p.Val1055Ile). This variant is present in population databases (rs747197616, gnomAD 0.006%). This variant has not been reported in the literature in individuals affected with COL3A1-related conditions. ClinVar contains an entry for this variant (Variation ID: 495544). Invitae Evidence Modeling of protein sequence and biophysical properties (such as structural, functional, and spatial information, amino acid conservation, physicochemical variation, residue mobility, and thermodynamic stability) indicates that this missense variant is not expected to disrupt COL3A1 protein function with a negative predictive value of 95%. In summary, the available evidence is currently insufficient to determine the role of this variant in disease. Therefore, it has been classified as a Variant of Uncertain Significance.

All of Us Research Program, National Institutes of Health
Classification: Uncertain significance for Ehlers-Danlos syndrome, type 4. Last evaluated: 2024-05-14. Review status: criteria provided, single submitter. Criteria: ACMG Guidelines, 2015. Collection method: clinical testing. Allele origin: germline. Inheritance: Autosomal dominant inheritance. Observed: 1 variant allele, 1 heterozygote.
Comment: This missense variant replaces valine with isoleucine at codon 1055 of the COL3A1 protein. Computational prediction is inconclusive regarding the impact of this variant on protein structure and function (internally defined REVEL score threshold 0.5 < inconclusive < 0.7, PMID: 27666373). Splice site prediction tools suggest that this variant may not impact RNA splicing. To our knowledge, functional studies have not been performed for this variant. This variant has not been reported in individuals affected with cardiovascular disorders in the literature. This variant has been identified in 2/251354 chromosomes in the general population by the Genome Aggregation Database (gnomAD). The available evidence is insufficient to determine the role of this variant in disease conclusively. Therefore, this variant is classified as a Variant of Uncertain Significance.

This study involves interpretation of variants in research participants for the purpose of population health screening. Participant phenotype was not available at the time of variant classification. Additional details can be found in publication PMID: 35346344, PMCID: PMC8962531

Color Diagnostics, LLC DBA Color Health
Classification: Uncertain significance for Familial thoracic aortic aneurysm and aortic dissection. Last evaluated: 2024-04-25. Review status: criteria provided, single submitter. Criteria: ACMG Guidelines, 2015. Collection method: clinical testing. Allele origin: germline.
Comment: This missense variant replaces valine with isoleucine at codon 1055 of the COL3A1 protein. Computational prediction tools indicate that this variant has a neutral impact on protein structure and function. To our knowledge, functional studies have not been reported for this variant. This variant has not been reported in individuals affected with COL3A1-related disorders in the literature. This variant has been identified in 2/251354 chromosomes in the general population by the Genome Aggregation Database (gnomAD). The available evidence is insufficient to determine the role of this variant in disease conclusively. Therefore, this variant is classified as a Variant of Uncertain Significance.

Women's Health and Genetics/Laboratory Corporation of America, LabCorp
Classification: Uncertain significance. Last evaluated: 2016-02-22. Review status: criteria provided, single submitter. Criteria: LabCorp Variant Classification Summary - May 2015. Collection method: clinical testing. Allele origin: germline.
Comment: Variant summary: This c.3163G>A variant affects a non-conserved nucleotide, resulting in amino acid change from Val to Ile. 3/4 in-silico tools used predict this variant to be benign. This variant was found in 2/121108 control chromosomes at a frequency of 0.0000165, which is more than 12 times greater than the maximal expected frequency of a pathogenic allele (0.0000013) in this gene, suggesting this variant is a benign rare polymorphism. This variant has been found in at least one Glioma sample as a somatic occurrence without strong evidence for causality (Suzuki_20105). The variant of interest has not been reported in affected individuals via reputable databases/clinical laboratories; nor evaluated for functional impact by in vivo/vitro studies. Because of the absence of clinical information and the lack of functional studies, this variant has currently been classified as a VUS-possibly benign until more information becomes available.

Literature cited by the submitters: PubMed 25848751 (cited by Women's Health and Genetics/Laboratory Corporation of America, LabCorp).

NM_000090.4(COL3A1):c.3163G>A (p.Val1055Ile)

Gene: COL3A1 (collagen type III alpha 1 chain; plus strand). Cytogenetic location: 2q32.2.
Variant type: single nucleotide variant.
Coding change: c.3163G>A on transcript NM_000090.4 (MANE Select); coding-DNA position 3163, G replaced by A.
Protein change: p.Val1055Ile; replaces valine 1055 with isoleucine.
Molecular consequence: missense variant.
Genome position (GRCh38, 1-based): chr2:189,006,414, G>A. VCF-style: chr2-189006414-G-A. GRCh37 (hg19) VCF-style: chr2-189871140-G-A.
Other names: short protein forms V1055I.
Identifiers: ClinVar variation 495544 (VCV000495544.14), dbSNP rs747197616, ClinGen allele CA075894.